The following is an entry in ClinVar:

NM_001848.3(COL6A1):c.1524+1G>A

Gene: COL6A1 (collagen type VI alpha 1 chain; plus strand). Cytogenetic location: 21q22.3.
Variant type: single nucleotide variant.
Coding change: c.1524+1G>A on transcript NM_001848.3 (MANE Select); the canonical splice donor site of the intron after coding-DNA position 1524, G replaced by A.
Molecular consequence: splice donor variant.
Genome position (GRCh38, 1-based): chr21:45,997,763, G>A. VCF-style: chr21-45997763-G-A. GRCh37 (hg19) VCF-style: chr21-47417677-G-A.
Identifiers: ClinVar variation 2022335 (VCV002022335.4), dbSNP rs2526337540, ClinGen allele CA410528947.

ClinVar aggregate classification (germline): Likely pathogenic (1 of 4 stars; one submission).

Conditions:
Bethlem myopathy 1A. Also called: MYOPATHY, BENIGN CONGENITAL, WITH CONTRACTURES; Bethlem myopathy 1; Bethlem Muscular Dystrophy. Identifiers: Orphanet 610, MedGen CN029274, MONDO:0024530, OMIM 158810.

Submission:

Labcorp Genetics (formerly Invitae), Labcorp
Classification: Likely pathogenic for Bethlem myopathy 1A. Last evaluated: 2024-08-16. Review status: criteria provided, single submitter. Criteria: Invitae Variant Classification Sherloc (09022015). Collection method: clinical testing. Allele origin: germline.
Comment: This sequence change affects a donor splice site in intron 22 of the COL6A1 gene. It is expected to disrupt RNA splicing. Variants that disrupt the donor or acceptor splice site typically lead to a loss of protein function (PMID: 16199547), and loss-of-function variants in COL6A1 are known to be disease-causing for autosomal recessive COL6A1-related conditions (PMID: 21280092, 20976770). However, certain variants affecting donor or acceptor splice sites in the triple helical domain of COL6A1 are expected to result in in-frame exon skipping and have been reported to cause autosomal dominant COL6A1-related conditions (PMID: 18366090). This variant is not present in population databases (gnomAD no frequency). This variant has not been reported in the literature in individuals affected with COL6A1-related conditions. ClinVar contains an entry for this variant (Variation ID: 2022335). Algorithms developed to predict the effect of sequence changes on RNA splicing suggest that this variant may disrupt the consensus splice site. In summary, the currently available evidence indicates that the variant is pathogenic, but additional data are needed to prove that conclusively. Therefore, this variant has been classified as Likely Pathogenic.

Literature cited by the submitters: PubMed 16199547; PubMed 21280092; PubMed 20976770; PubMed 18366090.